The following is an entry in ClinVar:

NM_152419.3(HGSNAT):c.768dup (p.Val257fs)

Gene: HGSNAT (heparan-alpha-glucosaminide N-acetyltransferase; plus strand). Cytogenetic location: 8p11.21.
Variant type: Duplication.
Coding change: c.768dup on transcript NM_152419.3 (MANE Select); coding-DNA position 768, one base duplicated (T; older notation c.768dupT).
Protein change: p.Val257fs; shifts the reading frame from valine 257.
Molecular consequence: frameshift variant. On other transcripts: 5 prime UTR variant (1).
Genome position (GRCh38, 1-based): chr8:43,172,334, T duplicated; the last of 3 consecutive T bases (chr8:43,172,332-43,172,334); duplicating any one gives the same sequence. VCF-style (leftmost placement, unchanged base first): chr8-43172331-C-CT. GRCh37 (hg19) VCF-style: chr8-43027474-C-CT.
Other names: c.768dup, p.Val257fs (NM_001363227.2, NM_001363228.2); c.-66dup (NM_001363229.2); short protein forms V257fs.
Identifiers: ClinVar variation 5003841 (VCV005003841.1).

ClinVar aggregate classification (germline): Pathogenic (1 of 4 stars; one submission).

Conditions:
Mucopolysaccharidosis, MPS-III-C (MPS3C). Also called: SANFILIPPO SYNDROME C; MUCOPOLYSACCHARIDOSIS, TYPE IIIC; Mucopolysaccharidosis type IIIC (Sanfilippo C); MPS IIIC (Sanfilippo Syndrome Type C); mucopolysaccharidosis type 3C; MPS III C. Identifiers: Orphanet 581, Orphanet 79271, MedGen C0086649, MONDO:0009657, OMIM 252930.

Submission:

Myriad Genetics, Inc.
Classification: Pathogenic for Mucopolysaccharidosis, MPS-III-C. Last evaluated: 2026-07-07. Review status: criteria provided, single submitter. Criteria: Myriad Autosomal Dominant, Autosomal Recessive and X-Linked Classification Criteria (2023). Collection method: clinical testing. Allele origin: unknown.
Comment: NM_152419.2(HGSNAT):c.768dupT(V257Cfs*23) is a frameshift variant classified as pathogenic in the context of mucopolysaccharidosis type IIIC. V257Cfs*23 has not been observed in cases with relevant disease. Relevant functional assessments of this variant are not available in the literature. V257Cfs*23 has not been observed in referenced population frequency databases. In summary, NM_152419.2(HGSNAT):c.768dupT(V257Cfs*23) is a frameshift variant in a gene where loss of function is a known mechanism of disease and is predicted to disrupt protein function. Please note: this variant was assessed in the context of healthy population screening.